The following is an entry in ClinVar:

NM_013275.6(ANKRD11):c.6932A>C (p.Gln2311Pro)

Gene: ANKRD11 (ankyrin repeat domain 11; minus strand). Cytogenetic location: 16q24.3.
Variant type: single nucleotide variant.
Coding change: c.6932A>C on transcript NM_013275.6 (MANE Select); coding-DNA position 6932, A replaced by C.
Protein change: p.Gln2311Pro; replaces glutamine 2311 with proline.
Molecular consequence: missense variant.
Genome position (GRCh38, 1-based): chr16:89,279,610, T>G on the plus strand (A>C on the coding strand, the complement: ANKRD11 is on the minus strand). VCF-style: chr16-89279610-T-G. GRCh37 (hg19) VCF-style: chr16-89346018-T-G.
Other names: c.6932A>C, p.Gln2311Pro (NM_001256182.2, NM_001256183.2); short protein forms Q2311P.
Identifiers: ClinVar variation 2183006 (VCV002183006.4), dbSNP rs888918193, ClinGen allele CA397149686.

ClinVar aggregate classification (germline): Uncertain significance (1 of 4 stars; one submission).

Conditions:
KBG syndrome (KBGS). Also called: ANKRD11-Related KBG Syndrome. Identifiers: Orphanet 2332, MedGen C0220687, MONDO:0007846, OMIM 148050.

Allele frequency attached by ClinVar (database versions not stated): TOPMed 0.00001.

Submission:

Labcorp Genetics (formerly Invitae), Labcorp
Classification: Uncertain significance for KBG syndrome. Last evaluated: 2024-07-05. Review status: criteria provided, single submitter. Criteria: Invitae Variant Classification Sherloc (09022015). Collection method: clinical testing. Allele origin: germline.
Comment: This sequence change replaces glutamine, which is neutral and polar, with proline, which is neutral and non-polar, at codon 2311 of the ANKRD11 protein (p.Gln2311Pro). This variant is not present in population databases (gnomAD no frequency). This variant has not been reported in the literature in individuals affected with ANKRD11-related conditions. ClinVar contains an entry for this variant (Variation ID: 2183006). Advanced modeling of protein sequence and biophysical properties (such as structural, functional, and spatial information, amino acid conservation, physicochemical variation, residue mobility, and thermodynamic stability) performed at Invitae indicates that this missense variant is not expected to disrupt ANKRD11 protein function with a negative predictive value of 95%. In summary, the available evidence is currently insufficient to determine the role of this variant in disease. Therefore, it has been classified as a Variant of Uncertain Significance.